The following is an entry in ClinVar:

ClinVar aggregate classification (germline): Likely pathogenic (1 of 4 stars; one submission).

Submission:

Labcorp Genetics (formerly Invitae), Labcorp
Classification: Likely pathogenic. Last evaluated: 2024-07-23. Review status: criteria provided, single submitter. Criteria: Invitae Variant Classification Sherloc (09022015). Collection method: clinical testing. Allele origin: germline.
Comment: This sequence change affects an acceptor splice site in intron 1 of the LZTR1 gene. It is expected to disrupt RNA splicing. Variants that disrupt the donor or acceptor splice site typically lead to a loss of protein function (PMID: 16199547), and loss-of-function variants in LZTR1 are known to be pathogenic (PMID: 24362817, 25335493, 25480913, 25795793, 29469822, 30368668, 30442762, 30442766, 30481304, 30859559). This variant is not present in population databases (gnomAD no frequency). This variant has not been reported in the literature in individuals affected with LZTR1-related conditions. Algorithms developed to predict the effect of sequence changes on RNA splicing suggest that this variant may disrupt the consensus splice site. In summary, the currently available evidence indicates that the variant is pathogenic, but additional data are needed to prove that conclusively. Therefore, this variant has been classified as Likely Pathogenic.

Literature cited by the submitters: PubMed 16199547; PubMed 24362817; PubMed 25335493; PubMed 25480913; PubMed 25795793; PubMed 29469822; PubMed 30368668; PubMed 30442762; PubMed 30442766; PubMed 30481304; PubMed 30859559.

NM_006767.4(LZTR1):c.201-1G>C

Gene: LZTR1 (leucine zipper like post translational regulator 1; plus strand). Cytogenetic location: 22q11.21.
Variant type: single nucleotide variant.
Coding change: c.201-1G>C on transcript NM_006767.4 (MANE Select); the canonical splice acceptor site of the intron before coding-DNA position 201, G replaced by C.
Molecular consequence: splice acceptor variant.
Genome position (GRCh38, 1-based): chr22:20,983,026, G>C. VCF-style: chr22-20983026-G-C. GRCh37 (hg19) VCF-style: chr22-21337315-G-C.
Identifiers: ClinVar variation 3660290 (VCV003660290.2).